The following is an entry in ClinVar:

NM_000548.5(TSC2):c.3944dup (p.Gly1316fs)

Gene: TSC2 (TSC complex subunit 2; plus strand). Cytogenetic location: 16p13.3.
Variant type: Duplication.
Coding change: c.3944dup on transcript NM_000548.5 (MANE Select); coding-DNA position 3944, one base duplicated (C; older notation c.3944dupC).
Protein change: p.Gly1316fs; shifts the reading frame from glycine 1316.
Molecular consequence: frameshift variant.
Genome position (GRCh38, 1-based): chr16:2,083,755, C duplicated; the last of 5 consecutive C bases (chr16:2,083,751-2,083,755); duplicating any one gives the same sequence. VCF-style (leftmost placement, unchanged base first): chr16-2083750-G-GC. GRCh37 (hg19) VCF-style: chr16-2133751-G-GC.
Other names: c.3743dup, p.Gly1249fs (NM_001077183.3); c.3875dup, p.Gly1293fs (NM_001114382.3); c.3635dup, p.Gly1213fs (NM_001318827.2); c.3599dup, p.Gly1201fs (NM_001318829.2); c.3212dup, p.Gly1072fs (NM_001318831.2); c.3776dup, p.Gly1260fs (NM_001318832.2); c.3746dup, p.Gly1250fs (NM_001363528.2); c.3812dup, p.Gly1272fs (NM_001370404.1); and 1 more; short protein forms G1072fs, G1201fs, G1213fs, G1249fs, G1250fs, G1260fs, G1272fs, G1273fs.
Identifiers: ClinVar variation 1074180 (VCV001074180.7), dbSNP rs137854011, ClinGen allele CA2499223331.

ClinVar aggregate classification (germline): Pathogenic (1 of 4 stars; one submission).

Conditions:
Tuberous sclerosis 2 (TSC2). Identifiers: Orphanet 805, MedGen C1860707, MONDO:0013199, OMIM 613254.

Submission:

Labcorp Genetics (formerly Invitae), Labcorp
Classification: Pathogenic for Tuberous sclerosis 2. Last evaluated: 2020-06-26. Review status: criteria provided, single submitter. Criteria: Invitae Variant Classification Sherloc (09022015). Collection method: clinical testing. Allele origin: germline.
Comment: For these reasons, this variant has been classified as Pathogenic. This sequence change creates a premature translational stop signal (p.Gly1316Argfs*6) in the TSC2 gene. It is expected to result in an absent or disrupted protein product. This variant is not present in population databases (ExAC no frequency). This variant has not been reported in the literature in individuals with TSC2-related conditions. Loss-of-function variants in TSC2 are known to be pathogenic (PMID: 10205261, 17304050).

Literature cited by the submitters: PubMed 10205261; PubMed 17304050.